The following is an entry in ClinVar:

ClinVar aggregate classification (germline): Likely pathogenic. Review status: criteria provided, single submitter (1 of 4 stars). 2 submissions from 2 submitters: Likely pathogenic (1). 1 of the submissions does not count toward it. Last evaluated 2019-10-18.

Conditions:
Cataract 9, autosomal recessive. Identifiers: MedGen C4015984.

Submissions (2):

GeneDx
Classification: Likely pathogenic. Last evaluated: 2019-10-18. Review status: criteria provided, single submitter. Criteria: GeneDx Variant Classification Process June 2021. Collection method: clinical testing. Allele origin: germline. Affected: yes.
Comment: Not observed in large population cohorts (Lek et al., 2016); Nonsense variant predicted to result in protein truncation or nonsense mediated decay in a gene for which loss-of-function is not a known mechanism of disease; This variant is associated with the following publications: (PMID: 18952241, 14512969, 11006246, 28928627)

OMIM
Classification: Pathogenic for CATARACT 9, AUTOSOMAL RECESSIVE. Last evaluated: 2000-10-01. Review status: no assertion criteria provided. Collection method: literature only. Allele origin: germline. Not counted in ClinVar's aggregate classification.

Literature cited by the submitters: PubMed 11006246 (cited by OMIM).

NM_000394.4(CRYAA):c.27G>A (p.Trp9Ter)

Gene: CRYAA (crystallin alpha A; plus strand). Cytogenetic location: 21q22.3.
Variant type: single nucleotide variant.
Coding change: c.27G>A on transcript NM_000394.4 (MANE Select); coding-DNA position 27, G replaced by A.
Protein change: p.Trp9Ter; replaces tryptophan 9 with a stop codon.
Molecular consequence: nonsense.
Genome position (GRCh38, 1-based): chr21:43,169,126, G>A. VCF-style: chr21-43169126-G-A. GRCh37 (hg19) VCF-style: chr21-44589236-G-A.
Other names: short protein forms W9*.
Identifiers: ClinVar variation 16958 (VCV000016958.3), dbSNP rs74315440, ClinGen allele CA127000.